The following is an entry in ClinVar:

NM_006514.4(SCN10A):c.2826G>A (p.Lys942=)

Genes: SCN10A (sodium voltage-gated channel alpha subunit 10; minus strand), LOC110121288 (VISTA enhancer hs2268; plus strand). Cytogenetic location: 3p22.2.
Variant type: single nucleotide variant.
Coding change: c.2826G>A on transcript NM_006514.4 (MANE Select); coding-DNA position 2826, G replaced by A.
Protein change: p.Lys942=; no amino-acid change (lysine 942 retained).
Molecular consequence: synonymous variant.
Genome position (GRCh38, 1-based): chr3:38,726,867, C>T on the plus strand (G>A on the coding strand, the complement: SCN10A is on the minus strand). VCF-style: chr3-38726867-C-T. GRCh37 (hg19) VCF-style: chr3-38768358-C-T.
Other names: c.2826G>A, p.Lys942= (NM_001293306.2); c.2532G>A, p.Lys844= (NM_001293307.2).
Identifiers: ClinVar variation 2563712 (VCV002563712.29), dbSNP rs564901373, ClinGen allele CA2320424.

ClinVar aggregate classification (germline): Likely benign. Review status: criteria provided, multiple submitters, no conflicts (2 of 4 stars). 4 submissions from 4 submitters: Likely benign (4). Last evaluated 2024-06-17.

Conditions:
Brugada syndrome. Also called: Sudden unexpected nocturnal death syndrome; Sudden unexplained nocturnal death syndrome; Sudden Unexplained Death Syndrome; Sudden Unexplained Nocturnal Death Syndrome (SUNDS). Identifiers: Orphanet 130, MedGen C1142166, MONDO:0015263.
Cardiovascular phenotype. Identifiers: MedGen CN230736.

Allele frequency attached by ClinVar (database versions not stated): gnomAD exomes below 0.00001; TOPMed below 0.00001; ExAC 0.00001; gnomAD 0.00001; 1000 Genomes Project 30x 0.00016; 1000 Genomes Project 0.00020.

Submissions (4):

Labcorp Genetics (formerly Invitae), Labcorp
Classification: Likely benign for Brugada syndrome. Last evaluated: 2024-06-17. Review status: criteria provided, single submitter. Criteria: Invitae Variant Classification Sherloc (09022015). Collection method: clinical testing. Allele origin: germline.

Blueprint Genetics
Classification: Likely benign. Last evaluated: 2024-01-09. Review status: criteria provided, single submitter. Criteria: ACMG Guidelines, 2015. Collection method: clinical testing. Allele origin: germline.

Ambry Genetics
Classification: Likely benign for Cardiovascular phenotype. Last evaluated: 2023-04-24. Review status: criteria provided, single submitter. Criteria: Ambry Variant Classification Scheme 2023. Collection method: clinical testing. Allele origin: germline.

CeGaT Center for Human Genetics Tuebingen
Classification: Likely benign. Last evaluated: 2022-12-01. Review status: criteria provided, single submitter. Criteria: CeGaT Center For Human Genetics Tuebingen Variant Classification Criteria Version 2. Collection method: clinical testing. Allele origin: germline. Affected: yes. Observed: 1 variant allele.
Comment: SCN10A: BP4, BP7